The following is an entry in ClinVar:

ClinVar aggregate classification (germline): Uncertain significance (1 of 4 stars; one submission).

Submission:

Women's Health and Genetics/Laboratory Corporation of America, LabCorp
Classification: Uncertain significance. Last evaluated: 2025-12-30. Review status: criteria provided, single submitter. Criteria: LabCorp Variant Classification Summary - May 2015. Collection method: clinical testing. Allele origin: germline.
Comment: Variant summary: AEBP1 c.121T>A (p.Phe41Ile) results in a non-conservative amino acid change in the encoded protein sequence. Algorithms developed to predict the effect of missense changes on protein structure and function all suggest that this variant is likely to be disruptive. The variant allele was found at a frequency of 4.2e-06 in 240616 control chromosomes. The available data on variant occurrences in the general population are insufficient to allow any conclusion about variant significance. To our knowledge, no occurrence of c.121T>A in individuals affected with AEBP1-related conditions and no experimental evidence demonstrating its impact on protein function have been reported. No submitters have cited clinical-significance assessments for this variant to ClinVar. Based on the evidence outlined above, the variant was classified as uncertain significance.

NM_001129.5(AEBP1):c.121T>A (p.Phe41Ile)

Gene: AEBP1 (AE binding protein 1; plus strand). Cytogenetic location: 7p13.
Variant type: single nucleotide variant.
Coding change: c.121T>A on transcript NM_001129.5 (MANE Select); coding-DNA position 121, T replaced by A.
Protein change: p.Phe41Ile; replaces phenylalanine 41 with isoleucine.
Molecular consequence: missense variant.
Genome position (GRCh38, 1-based): chr7:44,104,786, T>A. VCF-style: chr7-44104786-T-A. GRCh37 (hg19) VCF-style: chr7-44144385-T-A.
Other names: short protein forms F41I.
Identifiers: ClinVar variation 4688361 (VCV004688361.1).